The following is an entry in ClinVar:

NM_014762.4(DHCR24):c.10G>A (p.Ala4Thr)

Gene: DHCR24 (24-dehydrocholesterol reductase; minus strand). Cytogenetic location: 1p32.3.
Variant type: single nucleotide variant.
Coding change: c.10G>A on transcript NM_014762.4 (MANE Select); coding-DNA position 10, G replaced by A.
Protein change: p.Ala4Thr; replaces alanine 4 with threonine.
Molecular consequence: missense variant.
Genome position (GRCh38, 1-based): chr1:54,887,110, C>T on the plus strand (G>A on the coding strand, the complement: DHCR24 is on the minus strand). VCF-style: chr1-54887110-C-T. GRCh37 (hg19) VCF-style: chr1-55352783-C-T.
Other names: short protein forms A4T.
Identifiers: ClinVar variation 2043662 (VCV002043662.1), dbSNP rs144805041, ClinGen allele CA870935.

ClinVar aggregate classification (germline): Uncertain significance (1 of 4 stars; one submission).

Allele frequency attached by ClinVar (database versions not stated): ExAC 0.00007; TOPMed 0.00022; gnomAD 0.00027; ESP Exome Variant Server 0.00031.
gnomAD v4.1: 77 of 1,585,346 alleles (0.0049%); highest among the groups gnomAD compares: African/African-American, 0.09%; no homozygotes.

Submission:

Labcorp Genetics (formerly Invitae), Labcorp
Classification: Uncertain significance. Last evaluated: 2022-03-12. Review status: criteria provided, single submitter. Criteria: Invitae Variant Classification Sherloc (09022015). Collection method: clinical testing. Allele origin: germline.
Comment: This sequence change replaces alanine, which is neutral and non-polar, with threonine, which is neutral and polar, at codon 4 of the DHCR24 protein (p.Ala4Thr). This variant is present in population databases (rs144805041, gnomAD 0.08%). This variant has not been reported in the literature in individuals affected with DHCR24-related conditions. Algorithms developed to predict the effect of missense changes on protein structure and function output the following: SIFT: "Tolerated"; PolyPhen-2: "Benign"; Align-GVGD: "Class C0". The threonine amino acid residue is found in multiple mammalian species, which suggests that this missense change does not adversely affect protein function. In summary, the available evidence is currently insufficient to determine the role of this variant in disease. Therefore, it has been classified as a Variant of Uncertain Significance.